The following is an entry in ClinVar:

ClinVar aggregate classification (germline): Uncertain significance (1 of 4 stars; one submission).

Conditions:
Familial thoracic aortic aneurysm and aortic dissection (TAAD). Also called: Thoracic aortic aneurysms and dissections. Identifiers: Orphanet 91387, MedGen C4707243, MONDO:0019625.
Hereditary cancer-predisposing syndrome. Also called: Neoplastic Syndromes, Hereditary; Tumor predisposition; Hereditary neoplastic syndrome; Hereditary Cancer Syndrome. Identifiers: Orphanet 140162, MedGen C0027672, MeSH D009386, MONDO:0015356.

Submission:

Ambry Genetics
Classification: Uncertain significance for Hereditary cancer-predisposing syndrome; Familial thoracic aortic aneurysm and aortic dissection. Last evaluated: 2026-07-23. Review status: criteria provided, single submitter. Criteria: Ambry Variant Classification Scheme 2023. Collection method: clinical testing. Allele origin: germline.
Comment: The p.C391S variant (also known as c.1171T>A), located in coding exon 9 of the SMAD4 gene, results from a T to A substitution at nucleotide position 1171. The cysteine at codon 391 is replaced by serine, an amino acid with dissimilar properties. This amino acid position is highly conserved in available vertebrate species. In addition, this alteration is predicted to be deleterious by in silico analysis. Based on the available evidence, the clinical significance of this variant remains unclear.

NM_005359.6(SMAD4):c.1171T>A (p.Cys391Ser)

Gene: SMAD4 (SMAD family member 4; plus strand). Cytogenetic location: 18q21.2.
Variant type: single nucleotide variant.
Coding change: c.1171T>A on transcript NM_005359.6 (MANE Select); coding-DNA position 1171, T replaced by A.
Protein change: p.Cys391Ser; replaces cysteine 391 with serine.
Molecular consequence: missense variant. On other transcripts: non-coding transcript variant (1).
Genome position (GRCh38, 1-based): chr18:51,067,050, T>A. VCF-style: chr18-51067050-T-A. GRCh37 (hg19) VCF-style: chr18-48593420-T-A.
Other names: c.1171T>A, p.Cys391Ser (NM_001407041.1, NM_001407042.1); short protein forms C391S.
Identifiers: ClinVar variation 5029751 (VCV005029751.1).